The following is an entry in ClinVar:

ClinVar aggregate classification (germline): Uncertain significance (1 of 4 stars; one submission).

Allele frequency attached by ClinVar (database versions not stated): TOPMed 0.00001; gnomAD 0.00001.

Submission:

Labcorp Genetics (formerly Invitae), Labcorp
Classification: Uncertain significance. Last evaluated: 2022-08-23. Review status: criteria provided, single submitter. Criteria: Invitae Variant Classification Sherloc (09022015). Collection method: clinical testing. Allele origin: germline.
Comment: This sequence change replaces methionine, which is neutral and non-polar, with valine, which is neutral and non-polar, at codon 1049 of the CPLANE1 protein (p.Met1049Val). This variant is present in population databases (no rsID available, gnomAD 0.004%). This variant has not been reported in the literature in individuals affected with CPLANE1-related conditions. ClinVar contains an entry for this variant (Variation ID: 1493862). Advanced modeling of protein sequence and biophysical properties (such as structural, functional, and spatial information, amino acid conservation, physicochemical variation, residue mobility, and thermodynamic stability) performed at Invitae indicates that this missense variant is not expected to disrupt CPLANE1 protein function. Algorithms developed to predict the effect of sequence changes on RNA splicing suggest that this variant may create or strengthen a splice site. In summary, the available evidence is currently insufficient to determine the role of this variant in disease. Therefore, it has been classified as a Variant of Uncertain Significance.

NM_001384732.1(CPLANE1):c.3145A>G (p.Met1049Val)

Gene: CPLANE1 (ciliogenesis and planar polarity effector complex subunit 1; minus strand). Cytogenetic location: 5p13.2.
Variant type: single nucleotide variant.
Coding change: c.3145A>G on transcript NM_001384732.1 (MANE Select); coding-DNA position 3145, A replaced by G.
Protein change: p.Met1049Val; replaces methionine 1049 with valine.
Molecular consequence: missense variant.
Genome position (GRCh38, 1-based): chr5:37,206,201, T>C on the plus strand (A>G on the coding strand, the complement: CPLANE1 is on the minus strand). VCF-style: chr5-37206201-T-C. GRCh37 (hg19) VCF-style: chr5-37206303-T-C.
Other names: c.3145A>G, p.Met1049Val (NM_023073.4); short protein forms M1049V.
Identifiers: ClinVar variation 1493862 (VCV001493862.3), dbSNP rs887015086, ClinGen allele CA117082485.